The following is an entry in ClinVar:

NM_016580.4(PCDH12):c.2411T>C (p.Met804Thr)

Genes: PCDH12 (protocadherin 12; minus strand), RNF14 (ring finger protein 14; plus strand). Cytogenetic location: 5q31.3.
Variant type: single nucleotide variant.
Coding change: c.2411T>C on transcript NM_016580.4 (MANE Select); coding-DNA position 2411, T replaced by C.
Protein change: p.Met804Thr; replaces methionine 804 with threonine.
Molecular consequence: missense variant.
Genome position (GRCh38, 1-based): chr5:141,955,441, A>G on the plus strand (T>C on the coding strand, the complement: PCDH12 is on the minus strand). VCF-style: chr5-141955441-A-G. GRCh37 (hg19) VCF-style: chr5-141335006-A-G.
Other names: short protein forms M804T.
Identifiers: ClinVar variation 1466413 (VCV001466413.8), dbSNP rs2126927419, ClinGen allele CA361575200.

ClinVar aggregate classification (germline): Uncertain significance (1 of 4 stars; one submission).

Submission:

Labcorp Genetics (formerly Invitae), Labcorp
Classification: Uncertain significance. Last evaluated: 2022-08-22. Review status: criteria provided, single submitter. Criteria: Invitae Variant Classification Sherloc (09022015). Collection method: clinical testing. Allele origin: germline.
Comment: This sequence change replaces methionine, which is neutral and non-polar, with threonine, which is neutral and polar, at codon 804 of the PCDH12 protein (p.Met804Thr). In summary, the available evidence is currently insufficient to determine the role of this variant in disease. Therefore, it has been classified as a Variant of Uncertain Significance. Advanced modeling of protein sequence and biophysical properties (such as structural, functional, and spatial information, amino acid conservation, physicochemical variation, residue mobility, and thermodynamic stability) performed at Invitae indicates that this missense variant is not expected to disrupt PCDH12 protein function. ClinVar contains an entry for this variant (Variation ID: 1466413). This variant has not been reported in the literature in individuals affected with PCDH12-related conditions. This variant is not present in population databases (gnomAD no frequency).